The following is an entry in ClinVar:

ClinVar aggregate classification (germline): Uncertain significance (1 of 4 stars; one submission).

Conditions:
Primary ciliary dyskinesia. Also called: Ciliary dyskinesia. Identifiers: Orphanet 244, MedGen C0008780, MONDO:0016575, HP:0012265.

Allele frequency attached by ClinVar (database versions not stated): ExAC 0.00002.
gnomAD v4.1: 13 of 1,614,070 alleles (0.00081%); highest among the groups gnomAD compares: Admixed American, 0.0067%; no homozygotes.

Submission:

Labcorp Genetics (formerly Invitae), Labcorp
Classification: Uncertain significance for Primary ciliary dyskinesia. Last evaluated: 2022-07-19. Review status: criteria provided, single submitter. Criteria: Invitae Variant Classification Sherloc (09022015). Collection method: clinical testing. Allele origin: germline.
Comment: This sequence change replaces threonine, which is neutral and polar, with methionine, which is neutral and non-polar, at codon 931 of the CCDC40 protein (p.Thr931Met). This variant is present in population databases (rs202141933, gnomAD 0.009%). In summary, the available evidence is currently insufficient to determine the role of this variant in disease. Therefore, it has been classified as a Variant of Uncertain Significance. Algorithms developed to predict the effect of missense changes on protein structure and function output the following: SIFT: "Tolerated"; PolyPhen-2: "Benign"; Align-GVGD: "Class C0". The methionine amino acid residue is found in multiple mammalian species, which suggests that this missense change does not adversely affect protein function. ClinVar contains an entry for this variant (Variation ID: 1502475). This variant has not been reported in the literature in individuals affected with CCDC40-related conditions.

NM_017950.4(CCDC40):c.2792C>T (p.Thr931Met)

Gene: CCDC40 (coiled-coil domain 40 molecular ruler complex subunit; plus strand). Cytogenetic location: 17q25.3.
Variant type: single nucleotide variant.
Coding change: c.2792C>T on transcript NM_017950.4 (MANE Select); coding-DNA position 2792, C replaced by T.
Protein change: p.Thr931Met; replaces threonine 931 with methionine.
Molecular consequence: missense variant.
Genome position (GRCh38, 1-based): chr17:80,089,844, C>T. VCF-style: chr17-80089844-C-T. GRCh37 (hg19) VCF-style: chr17-78063643-C-T.
Other names: c.2792C>T, p.Thr931Met (NM_001243342.2); short protein forms T931M.
Identifiers: ClinVar variation 1502475 (VCV001502475.5), dbSNP rs202141933, ClinGen allele CA8814343.